The following is an entry in ClinVar:

NM_004586.3(RPS6KA3):c.1125T>G (p.Ser375Arg)

Gene: RPS6KA3 (ribosomal protein S6 kinase A3; minus strand). Cytogenetic location: Xp22.12.
Variant type: single nucleotide variant.
Coding change: c.1125T>G on transcript NM_004586.3 (MANE Select); coding-DNA position 1125, T replaced by G.
Protein change: p.Ser375Arg; replaces serine 375 with arginine.
Molecular consequence: missense variant.
Genome position (GRCh38, 1-based): chrX:20,175,266, A>C on the plus strand (T>G on the coding strand, the complement: RPS6KA3 is on the minus strand). VCF-style: chrX-20175266-A-C. GRCh37 (hg19) VCF-style: chrX-20193384-A-C.
Other names: short protein forms S375R.
Identifiers: ClinVar variation 1706678 (VCV001706678.2), dbSNP rs2519676214, ClinGen allele CA412517003.

ClinVar aggregate classification (germline): Uncertain significance (1 of 4 stars; one submission).

Submission:

GeneDx
Classification: Uncertain significance. Last evaluated: 2022-03-24. Review status: criteria provided, single submitter. Criteria: GeneDx Variant Classification Process June 2021. Collection method: clinical testing. Allele origin: germline. Affected: yes.
Comment: Not observed at significant frequency in large population cohorts (gnomAD); In silico analysis supports that this missense variant has a deleterious effect on protein structure/function; Has not been previously published as pathogenic or benign to our knowledge